The following is an entry in ClinVar:

NM_000287.4(PEX6):c.1130+5G>A

Gene: PEX6 (peroxisomal biogenesis factor 6; minus strand). Cytogenetic location: 6p21.1.
Variant type: single nucleotide variant.
Coding change: c.1130+5G>A on transcript NM_000287.4 (MANE Select); 5 bases into the intron after coding-DNA position 1130, G replaced by A.
Molecular consequence: intron variant.
Genome position (GRCh38, 1-based): chr6:42,973,998, C>T on the plus strand (G>A on the coding strand, the complement: PEX6 is on the minus strand). VCF-style: chr6-42973998-C-T. GRCh37 (hg19) VCF-style: chr6-42941736-C-T.
Other names: c.866+5G>A (NM_001316313.2).
Identifiers: ClinVar variation 4059643 (VCV004059643.2).

ClinVar aggregate classification (germline): Uncertain significance. Review status: criteria provided, single submitter (1 of 4 stars). 2 submissions from 2 submitters: Uncertain significance (1). 1 of the submissions does not count toward it. Last evaluated 2026-03-05.

Conditions:
Zellweger spectrum disorders (ZS). Also called: Zellweger Spectrum Disorder; Zellweger Spectrum; Zellweger syndrome; Zellweger Spectrum Disorder (ZSD). Identifiers: Orphanet 912, MedGen C0043459, MONDO:0019609.

Submissions (2):

Women's Health and Genetics/Laboratory Corporation of America, LabCorp
Classification: Uncertain significance. Last evaluated: 2026-03-05. Review status: criteria provided, single submitter. Criteria: LabCorp Variant Classification Summary - May 2015. Collection method: clinical testing. Allele origin: germline.
Comment: Variant summary: PEX6 c.1130+5G>A alters a non-conserved nucleotide located close to a canonical splice site and therefore could affect mRNA splicing, leading to a significantly altered protein sequence. Several computational tools predict a significant impact on normal splicing: Four predict the variant weakens a 5' donor site. However, these predictions have yet to be confirmed by functional studies. The variant was absent in 250990 control chromosomes. The available data on variant occurrences in the general population are insufficient to allow any conclusion about variant significance. To our knowledge, no occurrence of c.1130+5G>A in individuals affected with PEX6-related conditions and no experimental evidence demonstrating its impact on protein function have been reported. ClinVar contains an entry for this variant (Variation ID: 4059643). Based on the evidence outlined above, the variant was classified as uncertain significance.

Natera, Inc.
Classification: Uncertain significance for Zellweger syndrome. Last evaluated: 2025-04-10. Review status: no assertion criteria provided. Collection method: clinical testing. Allele origin: germline. Not counted in ClinVar's aggregate classification.